The following is an entry in ClinVar:

NM_182493.3(MYLK3):c.532A>G (p.Ser178Gly)

Gene: MYLK3 (myosin light chain kinase 3; minus strand). Cytogenetic location: 16q11.2.
Variant type: single nucleotide variant.
Coding change: c.532A>G on transcript NM_182493.3 (MANE Select); coding-DNA position 532, A replaced by G.
Protein change: p.Ser178Gly; replaces serine 178 with glycine.
Molecular consequence: missense variant. On other transcripts: 5 prime UTR variant (1).
Genome position (GRCh38, 1-based): chr16:46,740,093, T>C on the plus strand (A>G on the coding strand, the complement: MYLK3 is on the minus strand). VCF-style: chr16-46740093-T-C. GRCh37 (hg19) VCF-style: chr16-46774005-T-C.
Other names: c.-59A>G (NM_001308301.1); short protein forms S178G.
Identifiers: ClinVar variation 1488847 (VCV001488847.6), dbSNP rs1031103603, ClinGen allele CA280237384.
Genomic context (GRCh38, chr16:46,740,093, plus strand): 5'-TAAAGCAAATGGGGTCCCACTCACCTTCCCCAGGCTCCCTGGCATCAGACTGCACCCCAC[T>C]GGTGCTCAGCACATGCTTTGGTTTTCCTCCCTCTTCTTCCACTCGCTCTTTATTCTAAAA-3'
Protein context (NP_872299.2, residues 168-188): GGKPKHVLST[Ser178Gly]GVQSDAREPG

ClinVar aggregate classification (germline): Uncertain significance (1 of 4 stars; one submission).

Submission:

Labcorp Genetics (formerly Invitae), Labcorp
Classification: Uncertain significance. Last evaluated: 2025-06-23. Review status: criteria provided, single submitter. Criteria: Invitae Variant Classification Sherloc (09022015). Collection method: clinical testing. Allele origin: germline.
Comment: This sequence change replaces serine, which is neutral and polar, with glycine, which is neutral and non-polar, at codon 178 of the MYLK3 protein (p.Ser178Gly). This variant is not present in population databases (gnomAD no frequency). This variant has not been reported in the literature in individuals affected with MYLK3-related conditions. ClinVar contains an entry for this variant (Variation ID: 1488847). An algorithm developed to predict the effect of missense changes on protein structure and function outputs the following: PolyPhen-2: "Benign". The glycine amino acid residue is found in multiple mammalian species, which suggests that this missense change does not adversely affect protein function. In summary, the available evidence is currently insufficient to determine the role of this variant in disease. Therefore, it has been classified as a Variant of Uncertain Significance.